The following is an entry in ClinVar:

NM_000260.4(MYO7A):c.4677C>T (p.Ser1559=)

Gene: MYO7A (myosin VIIA; plus strand). Cytogenetic location: 11q13.5.
Variant type: single nucleotide variant.
Coding change: c.4677C>T on transcript NM_000260.4 (MANE Select); coding-DNA position 4677, C replaced by T.
Protein change: p.Ser1559=; no amino-acid change (serine 1559 retained).
Molecular consequence: synonymous variant. On other transcripts: intron variant (2).
Genome position (GRCh38, 1-based): chr11:77,199,643, C>T. VCF-style: chr11-77199643-C-T. GRCh37 (hg19) VCF-style: chr11-76910688-C-T.
Other names: c.4536-6C>T (NM_001369365.1); c.4569-6C>T (NM_001127180.2).
Identifiers: ClinVar variation 2970896 (VCV002970896.3), dbSNP rs2497590542, ClinGen allele CA475796521.
Genomic context (GRCh38, chr11:77,199,643, plus strand): 5'-TGCGCCTCACTCAGGCTGGGCAGGACTGACCCCGGCGGGGCCCTGTTCTCCGTGTTGGTC[C>T]TGCAGGGGAGCGAAAACGACGGCCCCCAGCTTCACGCTGGCCACCATCAAGGGGGACGAA-3'
Protein context (NP_000251.3, residues 1549-1569): TPAGPCSPCW[Ser1559=]CRGAKTTAPS

ClinVar aggregate classification (germline): Uncertain significance (1 of 4 stars; one submission).

Allele frequency attached by ClinVar (database versions not stated): gnomAD exomes below 0.00001.
gnomAD v4.1: 3 of 1,611,986 alleles (0.00019%); highest among the groups gnomAD compares: South Asian, 0.0011%; no homozygotes.

Submission:

Labcorp Genetics (formerly Invitae), Labcorp
Classification: Uncertain significance. Last evaluated: 2025-03-17. Review status: criteria provided, single submitter. Criteria: Invitae Variant Classification Sherloc (09022015). Collection method: clinical testing. Allele origin: germline.
Comment: This sequence change affects codon 1559 of the MYO7A mRNA. It is a 'silent' change, meaning that it does not change the encoded amino acid sequence of the MYO7A protein. This variant is not present in population databases (gnomAD no frequency). This variant has not been reported in the literature in individuals affected with MYO7A-related conditions. ClinVar contains an entry for this variant (Variation ID: 2970896). Algorithms developed to predict the effect of sequence changes on RNA splicing suggest that this variant may disrupt the consensus splice site. In summary, the available evidence is currently insufficient to determine the role of this variant in disease. Therefore, it has been classified as a Variant of Uncertain Significance.